The following is an entry in ClinVar:

ClinVar aggregate classification (germline): Likely pathogenic (1 of 4 stars; one submission).

Conditions:
ATP2B2-related disorder. Also called: ATP2B2-related condition.

Submission:

PreventionGenetics, part of Exact Sciences
Classification: Likely pathogenic for ATP2B2-related condition. Last evaluated: 2025-10-02. Review status: criteria provided, single submitter. Criteria: ACMG Guidelines, 2015. Collection method: clinical testing. Allele origin: germline.
Comment: The ATP2B2 c.2590C>T variant is predicted to result in premature protein termination (p.Gln864*). To our knowledge, this variant has not been reported in the literature or in a large population database (gnomAD), indicating this variant is rare. Nonsense variants in ATP2B2 are expected to be pathogenic. This variant is interpreted as likely pathogenic.

NM_001001331.4(ATP2B2):c.2725C>T (p.Gln909Ter)

Gene: ATP2B2 (ATPase plasma membrane Ca2+ transporting 2; minus strand). Cytogenetic location: 3p25.3.
Variant type: single nucleotide variant.
Coding change: c.2725C>T on transcript NM_001001331.4 (MANE Select); coding-DNA position 2725, C replaced by T.
Protein change: p.Gln909Ter; replaces glutamine 909 with a stop codon.
Molecular consequence: nonsense.
Genome position (GRCh38, 1-based): chr3:10,342,944, G>A on the plus strand (C>T on the coding strand, the complement: ATP2B2 is on the minus strand). VCF-style: chr3-10342944-G-A. GRCh37 (hg19) VCF-style: chr3-10384628-G-A.
Other names: c.2590C>T, p.Gln864Ter (NM_001330611.3, NM_001353564.1, NM_001363862.1 and 2 more transcripts); c.2632C>T, p.Gln878Ter (NM_001438646.1); short protein forms Q864*, Q909*, Q878*.
Identifiers: ClinVar variation 4977254 (VCV004977254.1).